The following is an entry in ClinVar:

ClinVar aggregate classification (germline): Uncertain significance (1 of 4 stars; one submission).

Conditions:
Epileptic encephalopathy. Identifiers: MedGen C0543888, HP:0200134.

Allele frequency attached by ClinVar (database versions not stated): gnomAD exomes 0.00001 and 0.00002; TOPMed 0.00002.
gnomAD v4.1: 7 of 1,602,894 alleles (0.00044%); highest among the groups gnomAD compares: Admixed American, 0.01%; no homozygotes.

Submission:

Labcorp Genetics (formerly Invitae), Labcorp
Classification: Uncertain significance for Epileptic encephalopathy. Last evaluated: 2021-05-13. Review status: criteria provided, single submitter. Criteria: Invitae Variant Classification Sherloc (09022015). Collection method: clinical testing. Allele origin: germline.
Comment: This sequence change replaces serine with asparagine at codon 1719 of the FASN protein (p.Ser1719Asn). The serine residue is highly conserved and there is a small physicochemical difference between serine and asparagine. This variant is not present in population databases (ExAC no frequency). This variant has not been reported in the literature in individuals with FASN-related conditions. Algorithms developed to predict the effect of missense changes on protein structure and function (SIFT, PolyPhen-2, Align-GVGD) all suggest that this variant is likely to be tolerated, but these predictions have not been confirmed by published functional studies and their clinical significance is uncertain. In summary, the available evidence is currently insufficient to determine the role of this variant in disease. Therefore, it has been classified as a Variant of Uncertain Significance.

NM_004104.5(FASN):c.5156G>A (p.Ser1719Asn)

Gene: FASN (fatty acid synthase; minus strand). Cytogenetic location: 17q25.3.
Variant type: single nucleotide variant.
Coding change: c.5156G>A on transcript NM_004104.5 (MANE Select); coding-DNA position 5156, G replaced by A.
Protein change: p.Ser1719Asn; replaces serine 1719 with asparagine.
Molecular consequence: missense variant.
Genome position (GRCh38, 1-based): chr17:82,083,834, C>T on the plus strand (G>A on the coding strand, the complement: FASN is on the minus strand). VCF-style: chr17-82083834-C-T. GRCh37 (hg19) VCF-style: chr17-80041710-C-T.
Other names: short protein forms S1719N.
Identifiers: ClinVar variation 1433906 (VCV001433906.8), dbSNP rs1024972645, ClinGen allele CA295127992.